The following is an entry in ClinVar:

NM_001854.4(COL11A1):c.3438+268T>C

Gene: COL11A1 (collagen type XI alpha 1 chain; minus strand). Cytogenetic location: 1p21.1.
Variant type: single nucleotide variant.
Coding change: c.3438+268T>C on transcript NM_001854.4 (MANE Select); 268 bases into the intron after coding-DNA position 3438, T replaced by C.
Molecular consequence: intron variant.
Genome position (GRCh38, 1-based): chr1:102,938,767, A>G on the plus strand (T>C on the coding strand, the complement: COL11A1 is on the minus strand). VCF-style: chr1-102938767-A-G. GRCh37 (hg19) VCF-style: chr1-103404323-A-G.
Other names: NC_000001.10:g.103404323A>G; c.3321+268T>C (NM_001190709.2); c.3474+268T>C (NM_080629.3); c.3090+268T>C (NM_080630.4).
Identifiers: ClinVar variation 681199 (VCV000681199.2), dbSNP rs1564140, ClinGen allele CA27694678.

ClinVar aggregate classification (germline): Benign (1 of 4 stars; one submission).

Allele frequency attached by ClinVar (database versions not stated): TOPMed 0.83621; gnomAD 0.84020 and 0.84856; 1000 Genomes Project 30x 0.84963; 1000 Genomes Project 0.86082.
gnomAD v4.1: 129,204 of 152,120 alleles (85%); highest among the groups gnomAD compares: East Asian, 99%; 56,469 homozygotes.

Submissions (2):

GeneDx
Classification: Benign. Last evaluated: 2018-06-14. Review status: criteria provided, single submitter. Criteria: GeneDx Variant Classification (06012015). Collection method: clinical testing. Allele origin: germline. Affected: yes.
Comment: This variant is considered likely benign or benign based on one or more of the following criteria: it is a conservative change, it occurs at a poorly conserved position in the protein, it is predicted to be benign by multiple in silico algorithms, and/or has population frequency not consistent with disease.

Dr. Peter K. Rogan Lab, Western University
No classification provided (evidence only). Condition: Familial cancer of breast. Review status: no classification provided. Collection method: in vitro. Allele origin: not applicable. Functional consequence: retained intron. Not counted in ClinVar's aggregate classification.